The following is an entry in ClinVar:

ClinVar aggregate classification (germline): Conflicting classifications of pathogenicity. Review status: criteria provided, conflicting classifications (1 of 4 stars). 3 submissions from 3 submitters: Uncertain significance (1); Likely benign (1). 1 of the submissions does not count toward it. Last evaluated 2018-08-05.

Conditions:
EHHADH-related disorder. Also called: EHHADH-related condition.

Allele frequency attached by ClinVar (database versions not stated): TOPMed 0.00018; gnomAD 0.00020; ESP Exome Variant Server 0.00023; gnomAD exomes 0.00025 and 0.00030; ExAC 0.00030.
gnomAD v4.1: 459 of 1,614,096 alleles (0.028%); highest among the groups gnomAD compares: South Asian, 0.099%; 2 homozygotes.

Submissions (3):

Labcorp Genetics (formerly Invitae), Labcorp
Classification: Likely benign. Last evaluated: 2018-08-05. Review status: criteria provided, single submitter. Criteria: Invitae Variant Classification Sherloc (09022015). Collection method: clinical testing. Allele origin: germline.

Eurofins Ntd Llc (ga)
Classification: Uncertain significance. Last evaluated: 2017-07-21. Review status: criteria provided, single submitter. Criteria: EGL Classification Definitions 2015. Collection method: clinical testing. Allele origin: germline. Observed: 2 variant alleles, 2 heterozygotes.

PreventionGenetics, part of Exact Sciences
Classification: Likely benign for EHHADH-related condition. Last evaluated: 2023-09-21. Review status: no assertion criteria provided. Collection method: clinical testing. Allele origin: germline. Not counted in ClinVar's aggregate classification.
Comment: This variant is classified as likely benign based on ACMG/AMP sequence variant interpretation guidelines (Richards et al. 2015 PMID: 25741868, with internal and published modifications).

NM_001966.4(EHHADH):c.1938T>G (p.Ile646Met)

Gene: EHHADH (enoyl-CoA hydratase and 3-hydroxyacyl CoA dehydrogenase; minus strand). Cytogenetic location: 3q27.2.
Variant type: single nucleotide variant.
Coding change: c.1938T>G on transcript NM_001966.4 (MANE Select); coding-DNA position 1938, T replaced by G.
Protein change: p.Ile646Met; replaces isoleucine 646 with methionine.
Molecular consequence: missense variant.
Genome position (GRCh38, 1-based): chr3:185,192,460, A>C on the plus strand (T>G on the coding strand, the complement: EHHADH is on the minus strand). VCF-style: chr3-185192460-A-C. GRCh37 (hg19) VCF-style: chr3-184910248-A-C.
Other names: c.1650T>G, p.Ile550Met (NM_001166415.2); short protein forms I646M, I550M.
Identifiers: ClinVar variation 593344 (VCV000593344.11), dbSNP rs140527463, ClinGen allele CA2738889.
Genomic context (GRCh38, chr3:185,192,460, plus strand): 5'-ATAGAACATGGGCCCGCCCTTGTGCCTTGGCCATCCATATCCATGTAAATAGACAACATC[A>C]ATGTGCTCTGGGCTAGCAGCTATCCCTTCTCCCAAGATACGGAATGCTTCATTGATAAGT-3'
Protein context (NP_001957.2, residues 636-656): GEGIAASPEH[Ile646Met]DVVYLHGYGW